The following is an entry in ClinVar:

ClinVar aggregate classification (germline): Conflicting classifications of pathogenicity. Review status: criteria provided, conflicting classifications (1 of 4 stars). 2 submissions from 2 submitters: Uncertain significance (1); Likely benign (1). Last evaluated 2024-09-20.

Conditions:
Van Maldergem syndrome 2 (VMLDS2). Identifiers: Orphanet 314679, MedGen C3809875, MONDO:0014242, OMIM 615546.
Hennekam lymphangiectasia-lymphedema syndrome 2 (HKLLS2). Identifiers: Orphanet 2136, MedGen C4014939, MONDO:0014454, OMIM 616006.

Allele frequency attached by ClinVar (database versions not stated): ExAC 0.00002; gnomAD 0.00003; gnomAD exomes 0.00002; TOPMed 0.00002; ESP Exome Variant Server 0.00008.
gnomAD v4.1: 12 of 1,614,010 alleles (0.00074%); highest among the groups gnomAD compares: African/African-American, 0.0053%; no homozygotes.

Submissions (2):

3billion
Classification: Likely benign for Van Maldergem syndrome 2; Hennekam lymphangiectasia-lymphedema syndrome 2. Last evaluated: 2024-09-20. Review status: criteria provided, single submitter. Criteria: ACMG Guidelines, 2015. Collection method: clinical testing. Allele origin: germline. Affected: no.
Comment: The homozygous variant was found in patients diagnosed with another variant in a different gene, with no symptoms related to the gene containing the homozygous variant.

Labcorp Genetics (formerly Invitae), Labcorp
Classification: Uncertain significance. Last evaluated: 2021-05-03. Review status: criteria provided, single submitter. Criteria: Invitae Variant Classification Sherloc (09022015). Collection method: clinical testing. Allele origin: germline.
Comment: In summary, the available evidence is currently insufficient to determine the role of this variant in disease. Therefore, it has been classified as a Variant of Uncertain Significance. Advanced modeling of protein sequence and biophysical properties (such as structural, functional, and spatial information, amino acid conservation, physicochemical variation, residue mobility, and thermodynamic stability) performed at Invitae indicates that this missense variant is not expected to disrupt FAT4 protein function. This variant has not been reported in the literature in individuals with FAT4-related conditions. This variant is present in population databases (rs367877267, ExAC 0.01%). This sequence change replaces threonine with methionine at codon 3678 of the FAT4 protein (p.Thr3678Met). The threonine residue is highly conserved and there is a moderate physicochemical difference between threonine and methionine.

NM_001291303.3(FAT4):c.11039C>T (p.Thr3680Met)

Gene: FAT4 (FAT atypical cadherin 4; plus strand). Cytogenetic location: 4q28.1.
Variant type: single nucleotide variant.
Coding change: c.11039C>T on transcript NM_001291303.3 (MANE Select); coding-DNA position 11039, C replaced by T.
Protein change: p.Thr3680Met; replaces threonine 3680 with methionine.
Molecular consequence: missense variant.
Genome position (GRCh38, 1-based): chr4:125,452,049, C>T. VCF-style: chr4-125452049-C-T. GRCh37 (hg19) VCF-style: chr4-126373204-C-T.
Other names: c.11039C>T, p.Thr3680Met (NM_001291285.3); c.11033C>T, p.Thr3678Met (NM_024582.6); short protein forms T3678M, T3680M.
Identifiers: ClinVar variation 1445732 (VCV001445732.7), dbSNP rs367877267, ClinGen allele CA3073774.